The following is an entry in ClinVar:

NM_000836.4(GRIN2D):c.2827T>G (p.Trp943Gly)

Gene: GRIN2D (glutamate ionotropic receptor NMDA type subunit 2D; plus strand). Cytogenetic location: 19q13.33.
Variant type: single nucleotide variant.
Coding change: c.2827T>G on transcript NM_000836.4 (MANE Select); coding-DNA position 2827, T replaced by G.
Protein change: p.Trp943Gly; replaces tryptophan 943 with glycine.
Molecular consequence: missense variant.
Genome position (GRCh38, 1-based): chr19:48,442,753, T>G. VCF-style: chr19-48442753-T-G. GRCh37 (hg19) VCF-style: chr19-48946010-T-G.
Other names: short protein forms W943G.
Identifiers: ClinVar variation 985313 (VCV000985313.8), dbSNP rs1388648971, ClinGen allele CA406673870.

ClinVar aggregate classification (germline): Uncertain significance. Review status: criteria provided, multiple submitters, no conflicts (2 of 4 stars). 2 submissions from 2 submitters: Uncertain significance (2). Last evaluated 2023-03-09.

Conditions:
Inborn genetic diseases. Identifiers: MedGen C0950123, MeSH D030342.

Allele frequency attached by ClinVar (database versions not stated): gnomAD 0.00001.
gnomAD v4.1: 2 of 1,081,346 alleles (0.00018%); highest among the groups gnomAD compares: Admixed American, 0.011%; no homozygotes.

Submissions (2):

Labcorp Genetics (formerly Invitae), Labcorp
Classification: Uncertain significance. Last evaluated: 2023-03-09. Review status: criteria provided, single submitter. Criteria: Invitae Variant Classification Sherloc (09022015). Collection method: clinical testing. Allele origin: germline.
Comment: This variant has not been reported in the literature in individuals affected with GRIN2D-related conditions. In summary, the available evidence is currently insufficient to determine the role of this variant in disease. Therefore, it has been classified as a Variant of Uncertain Significance. Advanced modeling of protein sequence and biophysical properties (such as structural, functional, and spatial information, amino acid conservation, physicochemical variation, residue mobility, and thermodynamic stability) performed at Invitae indicates that this missense variant is not expected to disrupt GRIN2D protein function. ClinVar contains an entry for this variant (Variation ID: 985313). The frequency data for this variant in the population databases is considered unreliable, as metrics indicate insufficient coverage at this position in the gnomAD database. This sequence change replaces tryptophan, which is neutral and slightly polar, with glycine, which is neutral and non-polar, at codon 943 of the GRIN2D protein (p.Trp943Gly).

Ambry Genetics
Classification: Uncertain significance for Inborn genetic diseases. Last evaluated: 2020-08-19. Review status: criteria provided, single submitter. Criteria: Ambry Variant Classification Scheme 2023. Collection method: clinical testing. Allele origin: germline.
Comment: The alteration results in an amino acid change:_x000D_ _x000D_ The c.2827T>G (p.W943G) alteration is located in exon 13 (coding exon 12) of the GRIN2D gene. This alteration results from a T to G substitution at nucleotide position 2827, causing the tryptophan (W) at amino acid position 943 to be replaced by a glycine (G). The alteration is not observed in population databases:_x000D_ _x000D_ Based on data from the Genome Aggregation Database (gnomAD), the GRIN2D c.2827T>G alteration was not observed, with coverage at this position. The altered amino acid is conserved throughout evolution:_x000D_ _x000D_ The p.W943 amino acid is conserved in available vertebrate species with limited sequence alignment. The alteration is predicted tolerated by in silico modeling:_x000D_ _x000D_ The p.W943G alteration is predicted to be tolerated by in silico analysis. Based on insufficient or conflicting evidence, the clinical significance of this alteration remains unclear.